The following is an entry in ClinVar:

NM_003620.4(PPM1D):c.78A>C (p.Gln26His)

Gene: PPM1D (protein phosphatase, Mg2+/Mn2+ dependent 1D; plus strand). Cytogenetic location: 17q23.2.
Variant type: single nucleotide variant.
Coding change: c.78A>C on transcript NM_003620.4 (MANE Select); coding-DNA position 78, A replaced by C.
Protein change: p.Gln26His; replaces glutamine 26 with histidine.
Molecular consequence: missense variant.
Genome position (GRCh38, 1-based): chr17:60,600,492, A>C. VCF-style: chr17-60600492-A-C. GRCh37 (hg19) VCF-style: chr17-58677853-A-C.
Other names: short protein forms Q26H.
Identifiers: ClinVar variation 1915688 (VCV001915688.5), dbSNP rs2143606748, ClinGen allele CA400452329.
Genomic context (GRCh38, chr17:60,600,492, plus strand): 5'-GCTGGGAGTGAGCGTCTTCTCCGACCAGGGCGGGAGGAAGTACATGGAGGACGTTACTCA[A>C]ATCGTTGTGGAGCCCGAACCGACGGCTGAAGAAAAGCCCTCGCCGCGGCGGTCGCTGTCT-3'
Protein context (NP_003611.1, residues 16-36): GGRKYMEDVT[Gln26His]IVVEPEPTAE

ClinVar aggregate classification (germline): Uncertain significance (1 of 4 stars; one submission).

Submission:

Labcorp Genetics (formerly Invitae), Labcorp
Classification: Uncertain significance. Last evaluated: 2022-08-16. Review status: criteria provided, single submitter. Criteria: Invitae Variant Classification Sherloc (09022015). Collection method: clinical testing. Allele origin: germline.
Comment: This variant is not present in population databases (gnomAD no frequency). In summary, the available evidence is currently insufficient to determine the role of this variant in disease. Therefore, it has been classified as a Variant of Uncertain Significance. Algorithms developed to predict the effect of missense changes on protein structure and function (SIFT, PolyPhen-2, Align-GVGD) all suggest that this variant is likely to be tolerated. This variant has not been reported in the literature in individuals affected with PPM1D-related conditions. This sequence change replaces glutamine, which is neutral and polar, with histidine, which is basic and polar, at codon 26 of the PPM1D protein (p.Gln26His).